The following is an entry in ClinVar:

ClinVar aggregate classification (germline): Uncertain significance. Review status: criteria provided, multiple submitters, no conflicts (2 of 4 stars). 2 submissions from 2 submitters: Uncertain significance (2). Last evaluated 2025-01-27.

Allele frequency attached by ClinVar (database versions not stated): ExAC 0.00001; gnomAD exomes 0.00001 and 0.00002; gnomAD 0.00002 and 0.00003; TOPMed 0.00004.
gnomAD v4.1: 15 of 1,607,750 alleles (0.00093%); highest among the groups gnomAD compares: Admixed American, 0.005%; no homozygotes.

Submissions (2):

Labcorp Genetics (formerly Invitae), Labcorp
Classification: Uncertain significance. Last evaluated: 2025-01-27. Review status: criteria provided, single submitter. Criteria: Invitae Variant Classification Sherloc (09022015). Collection method: clinical testing. Allele origin: germline.
Comment: This sequence change replaces aspartic acid, which is acidic and polar, with asparagine, which is neutral and polar, at codon 290 of the CARD8 protein (p.Asp290Asn). This variant is present in population databases (rs774740059, gnomAD 0.009%). This variant has not been reported in the literature in individuals affected with CARD8-related conditions. ClinVar contains an entry for this variant (Variation ID: 1419709). An algorithm developed to predict the effect of missense changes on protein structure and function outputs the following: PolyPhen-2: "Benign". The asparagine amino acid residue is found in multiple mammalian species, which suggests that this missense change does not adversely affect protein function. In summary, the available evidence is currently insufficient to determine the role of this variant in disease. Therefore, it has been classified as a Variant of Uncertain Significance.

Ambry Genetics
Classification: Uncertain significance. Last evaluated: 2024-04-26. Review status: criteria provided, single submitter. Criteria: Ambry Variant Classification Scheme 2023. Collection method: clinical testing. Allele origin: germline.

NM_001184900.3(CARD8):c.1018G>A (p.Asp340Asn)

Gene: CARD8 (caspase recruitment domain family member 8; minus strand). Cytogenetic location: 19q13.33.
Variant type: single nucleotide variant.
Coding change: c.1018G>A on transcript NM_001184900.3 (MANE Select); coding-DNA position 1018, G replaced by A.
Protein change: p.Asp340Asn; replaces aspartic acid 340 with asparagine.
Molecular consequence: missense variant. On other transcripts: non-coding transcript variant (4).
Genome position (GRCh38, 1-based): chr19:48,230,455, C>T on the plus strand (G>A on the coding strand, the complement: CARD8 is on the minus strand). VCF-style: chr19-48230455-C-T. GRCh37 (hg19) VCF-style: chr19-48733712-C-T.
Other names: c.868G>A, p.Asp290Asn (NM_001184901.1, NM_001351783.2, NM_001351788.2 and 2 more transcripts); c.1018G>A, p.Asp340Asn (NM_001184902.2, NM_001184903.1, NM_001351782.2); c.703G>A, p.Asp235Asn (NM_001351784.2, NM_001351787.2, NM_001351791.2 and 1 more transcripts); c.682G>A, p.Asp228Asn (NM_001351786.2); c.775G>A, p.Asp259Asn (NM_001351790.2); c.700G>A, p.Asp234Asn (NM_001365950.1); c.1018G>A (NM_001184900.1); short protein forms D228N, D290N, D234N, D235N, D259N, D340N.
Identifiers: ClinVar variation 1419709 (VCV001419709.10), dbSNP rs774740059, ClinGen allele CA9547842.